The following is an entry in ClinVar:

ClinVar aggregate classification (germline): Conflicting classifications of pathogenicity. Review status: criteria provided, conflicting classifications (1 of 4 stars). 2 submissions from 2 submitters: Uncertain significance (1); Likely benign (1). Last evaluated 2024-10-01.

Allele frequency attached by ClinVar (database versions not stated): ExAC 0.00005; gnomAD exomes 0.00001; TOPMed 0.00003; gnomAD 0.00001.
gnomAD v4.1: 7 of 1,613,858 alleles (0.00043%); highest among the groups gnomAD compares: East Asian, 0.016%; no homozygotes.

Submissions (2):

Ambry Genetics
Classification: Likely benign. Last evaluated: 2024-10-01. Review status: criteria provided, single submitter. Criteria: Ambry Variant Classification Scheme 2023. Collection method: clinical testing. Allele origin: germline.

Labcorp Genetics (formerly Invitae), Labcorp
Classification: Uncertain significance. Last evaluated: 2024-06-12. Review status: criteria provided, single submitter. Criteria: Invitae Variant Classification Sherloc (09022015). Collection method: clinical testing. Allele origin: germline.
Comment: This sequence change replaces glycine, which is neutral and non-polar, with serine, which is neutral and polar, at codon 430 of the RFWD3 protein (p.Gly430Ser). This variant is present in population databases (rs777224972, gnomAD 0.05%). This variant has not been reported in the literature in individuals affected with RFWD3-related conditions. ClinVar contains an entry for this variant (Variation ID: 2080780). Algorithms developed to predict the effect of missense changes on protein structure and function output the following: SIFT: "Not Available"; PolyPhen-2: "Benign"; Align-GVGD: "Not Available". The serine amino acid residue is found in multiple mammalian species, which suggests that this missense change does not adversely affect protein function. In summary, the available evidence is currently insufficient to determine the role of this variant in disease. Therefore, it has been classified as a Variant of Uncertain Significance.

NM_018124.4(RFWD3):c.1288G>A (p.Gly430Ser)

Gene: RFWD3 (ring finger and WD repeat domain 3; minus strand). Cytogenetic location: 16q23.1.
Variant type: single nucleotide variant.
Coding change: c.1288G>A on transcript NM_018124.4 (MANE Select); coding-DNA position 1288, G replaced by A.
Protein change: p.Gly430Ser; replaces glycine 430 with serine.
Molecular consequence: missense variant.
Genome position (GRCh38, 1-based): chr16:74,636,484, C>T on the plus strand (G>A on the coding strand, the complement: RFWD3 is on the minus strand). VCF-style: chr16-74636484-C-T. GRCh37 (hg19) VCF-style: chr16-74670382-C-T.
Other names: c.1288G>A (NM_018124.3); c.1288G>A, p.Gly430Ser (NM_001370534.1, NM_001370535.1, NM_001370536.1); c.454G>A, p.Gly152Ser (NM_001370537.1, NM_001370539.1, NM_001370540.1 and 3 more transcripts); short protein forms G152S, G430S.
Identifiers: ClinVar variation 2080780 (VCV002080780.5), dbSNP rs777224972, ClinGen allele CA8169258.